The following is an entry in ClinVar:

NM_000376.3(VDR):c.*437C>G

Gene: VDR (vitamin D receptor; minus strand). Cytogenetic location: 12q13.11.
Variant type: single nucleotide variant.
Coding change: c.*437C>G on transcript NM_000376.3 (MANE Select); 437 bases downstream of the stop codon, C replaced by G.
Molecular consequence: 3 prime UTR variant.
Genome position (GRCh38, 1-based): chr12:47,844,309, G>C on the plus strand (C>G on the coding strand, the complement: VDR is on the minus strand). VCF-style: chr12-47844309-G-C. GRCh37 (hg19) VCF-style: chr12-48238092-G-C.
Other names: c.*437C>G (NM_001017535.2, NM_001017536.2, NM_001374661.1 and 1 more transcripts); c.*236C>G (NM_001364085.2).
Identifiers: ClinVar variation 308863 (VCV000308863.6), dbSNP rs11574119, ClinGen allele CA10642300.

ClinVar aggregate classification (germline): Likely benign. Review status: criteria provided, multiple submitters, no conflicts (2 of 4 stars). 2 submissions from 2 submitters: Likely benign (2). Last evaluated 2018-01-13.

Conditions:
Vitamin D-dependent rickets type II with alopecia (VDDR2A). Also called: HYPOCALCEMIC VITAMIN D-RESISTANT RICKETS; Vitamin D-dependent rickets, type 2A; PDDR IIA; PSEUDOVITAMIN D-DEFICIENCY, TYPE IIA; RICKETS, HEREDITARY VITAMIN D-RESISTANT; RICKETS-ALOPECIA SYNDROME. Identifiers: Orphanet 93160, MedGen C0342646, MONDO:0010186, OMIM 277440.

Allele frequency attached by ClinVar (database versions not stated): 1000 Genomes Project 0.03155; 1000 Genomes Project 30x 0.03217; TOPMed 0.03293; gnomAD 0.03464; gnomAD exomes 0.03507.
gnomAD v4.1: 9,797 of 278,398 alleles (3.5%); highest among the groups gnomAD compares: Admixed American, 4.9%; 231 homozygotes.

Submissions (2):

Illumina Laboratory Services, Illumina
Classification: Likely benign for Vitamin D-dependent rickets type II with alopecia. Last evaluated: 2018-01-13. Review status: criteria provided, single submitter. Criteria: ICSL Variant Classification Criteria 13 December 2019. Collection method: clinical testing. Allele origin: germline.
Comment: This variant was observed in the ICSL laboratory as part of a predisposition screen in an ostensibly healthy population. It had not been previously curated by ICSL or reported in the Human Gene Mutation Database (HGMD: prior to June 1st, 2018), and was therefore a candidate for classification through an automated scoring system. Utilizing variant allele frequency, disease prevalence and penetrance estimates, and inheritance mode, an automated score was calculated to assess if this variant is too frequent to cause the disease. Based on the score and internal cut-off values, a variant classified as likely benign is not then subjected to further curation. The score for this variant resulted in a classification of likely benign for this disease.

Breakthrough Genomics
Classification: Likely benign. Review status: criteria provided, single submitter. Criteria: ACMG Guidelines, 2015. Collection method: not provided. Allele origin: germline. Inheritance: Autosomal recessive inheritance. Affected: yes.